The following is an entry in ClinVar:

NM_020247.5(COQ8A):c.1001G>A (p.Arg334Gln)

Gene: COQ8A (coenzyme Q8A; plus strand). Cytogenetic location: 1q42.13.
Variant type: single nucleotide variant.
Coding change: c.1001G>A on transcript NM_020247.5 (MANE Select); coding-DNA position 1001, G replaced by A.
Protein change: p.Arg334Gln; replaces arginine 334 with glutamine.
Molecular consequence: missense variant.
Genome position (GRCh38, 1-based): chr1:226,982,955, G>A. VCF-style: chr1-226982955-G-A. GRCh37 (hg19) VCF-style: chr1-227170656-G-A.
Other names: short protein forms R334Q.
Identifiers: ClinVar variation 1346803 (VCV001346803.7), dbSNP rs759857986, ClinGen allele CA1425262.

ClinVar aggregate classification (germline): Uncertain significance (1 of 4 stars; one submission).

Allele frequency attached by ClinVar (database versions not stated): TOPMed below 0.00001.
gnomAD v4.1: 8 of 1,607,794 alleles (0.0005%); highest among the groups gnomAD compares: Admixed American, 0.0017%; no homozygotes.

Submission:

Labcorp Genetics (formerly Invitae), Labcorp
Classification: Uncertain significance. Last evaluated: 2024-09-11. Review status: criteria provided, single submitter. Criteria: Invitae Variant Classification Sherloc (09022015). Collection method: clinical testing. Allele origin: germline.
Comment: This sequence change replaces arginine, which is basic and polar, with glutamine, which is neutral and polar, at codon 334 of the COQ8A protein (p.Arg334Gln). The frequency data for this variant in the population databases is considered unreliable, as metrics indicate poor data quality at this position in the gnomAD database. This variant has not been reported in the literature in individuals affected with COQ8A-related conditions. ClinVar contains an entry for this variant (Variation ID: 1346803). Invitae Evidence Modeling of protein sequence and biophysical properties (such as structural, functional, and spatial information, amino acid conservation, physicochemical variation, residue mobility, and thermodynamic stability) has been performed for this missense variant. However, the output from this modeling did not meet the statistical confidence thresholds required to predict the impact of this variant on COQ8A protein function. In summary, the available evidence is currently insufficient to determine the role of this variant in disease. Therefore, it has been classified as a Variant of Uncertain Significance.